The following is an entry in ClinVar:

NM_001370298.3(FGD4):c.*1007G>A

Gene: FGD4 (FYVE, RhoGEF and PH domain containing 4; plus strand). Cytogenetic location: 12p11.21.
Variant type: single nucleotide variant.
Coding change: c.*1007G>A on transcript NM_001370298.3 (MANE Select); 1007 bases downstream of the stop codon, G replaced by A.
Molecular consequence: 3 prime UTR variant. On other transcripts: intron variant (3).
Genome position (GRCh38, 1-based): chr12:32,641,540, G>A. VCF-style: chr12-32641540-G-A. GRCh37 (hg19) VCF-style: chr12-32794474-G-A.
Other names: c.*1007G>A (NM_001304481.2, NM_001304484.2, NM_001330373.2 and 5 more transcripts); c.2632+1087G>A (NM_001384126.1); c.2221+1087G>A (NM_001384127.1, NM_001384128.1).
Identifiers: ClinVar variation 308310 (VCV000308310.5), dbSNP rs114843464, ClinGen allele CA10632574.
Genomic context (GRCh38, chr12:32,641,540, plus strand): 5'-TCTAAGATTAAAGTGCATTTTGGTCACTGGGACAGTCAAAGTCATACAGGTTATTTTACC[G>A]TTTACAATCCTATAATTATTGCAGTAGTTAACATCAGCATGTACAAACATTTTCACCAAA-3'

ClinVar aggregate classification (germline): Benign (1 of 4 stars; one submission).

Conditions:
Charcot-Marie-Tooth disease type 4H (CMT4H). Also called: CHARCOT-MARIE-TOOTH DISEASE, AUTOSOMAL RECESSIVE, TYPE 4H; CHARCOT-MARIE-TOOTH DISEASE, DEMYELINATING, AUTOSOMAL RECESSIVE, TYPE 4H; CHARCOT-MARIE-TOOTH NEUROPATHY, TYPE 4H; CHARCOT-MARIE-TOOTH DISEASE, DEMYELINATING, TYPE 4H. Identifiers: Orphanet 99954, MedGen C1836336, MONDO:0012250, OMIM 609311.

Allele frequency attached by ClinVar (database versions not stated): gnomAD 0.01135 and 0.01214; TOPMed 0.01150; 1000 Genomes Project 30x 0.01187; 1000 Genomes Project 0.01198.

Submission:

Illumina Laboratory Services, Illumina
Classification: Benign for Charcot-Marie-Tooth disease type 4H. Last evaluated: 2018-01-13. Review status: criteria provided, single submitter. Criteria: ICSL Variant Classification Criteria 13 December 2019. Collection method: clinical testing. Allele origin: germline.
Comment: This variant was observed in the ICSL laboratory as part of a predisposition screen in an ostensibly healthy population. It had not been previously curated by ICSL or reported in the Human Gene Mutation Database (HGMD: prior to June 1st, 2018), and was therefore a candidate for classification through an automated scoring system. Utilizing variant allele frequency, disease prevalence and penetrance estimates, and inheritance mode, an automated score was calculated to assess if this variant is too frequent to cause the disease. Based on the score and internal cut-off values, a variant classified as benign is not then subjected to further curation. The score for this variant resulted in a classification of benign for this disease.